The following is an entry in ClinVar:

NM_018180.3(DHX32):c.13G>A (p.Gly5Arg)

Gene: DHX32 (DEAH-box helicase 32 (putative); minus strand). Cytogenetic location: 10q26.2.
Variant type: single nucleotide variant.
Coding change: c.13G>A on transcript NM_018180.3 (MANE Select); coding-DNA position 13, G replaced by A.
Protein change: p.Gly5Arg; replaces glycine 5 with arginine.
Molecular consequence: missense variant.
Genome position (GRCh38, 1-based): chr10:125,880,812, C>T on the plus strand (G>A on the coding strand, the complement: DHX32 is on the minus strand). VCF-style: chr10-125880812-C-T. GRCh37 (hg19) VCF-style: chr10-127569381-C-T.
Other names: short protein forms G5R.
Identifiers: ClinVar variation 4698650 (VCV004698650.1).
Genomic context (GRCh38, chr10:125,880,812, plus strand): 5'-TGGAATCCAGGGATTCAGGAAAATAGCGTTTTTCAGAGGAAGAGTTTGGACACTCCAGCC[C>T]TTCTTCTTCCATCTTGTCTGACAGTGAGCTCACGCAGCTGACATTCCACAAGCAAGTTTC-3'
Protein context (NP_060650.2, residues 1-15): MEEE[Gly5Arg]LECPNSSSEK

ClinVar aggregate classification (germline): Uncertain significance (1 of 4 stars; one submission).

Submission:

Labcorp Genetics (formerly Invitae), Labcorp
Classification: Uncertain significance. Last evaluated: 2025-02-19. Review status: criteria provided, single submitter. Criteria: Invitae Variant Classification Sherloc (09022015). Collection method: clinical testing. Allele origin: germline.
Comment: This sequence change replaces glycine, which is neutral and non-polar, with arginine, which is basic and polar, at codon 5 of the DHX32 protein (p.Gly5Arg). This variant is not present in population databases (gnomAD no frequency). This variant has not been reported in the literature in individuals affected with DHX32-related conditions. An algorithm developed to predict the effect of missense changes on protein structure and function (PolyPhen-2) suggests that this variant is likely to be tolerated. In summary, the available evidence is currently insufficient to determine the role of this variant in disease. Therefore, it has been classified as a Variant of Uncertain Significance.